The following is an entry in ClinVar:

NM_000535.7(PMS2):c.1053G>A (p.Leu351=)

Gene: PMS2 (PMS1 homolog 2, mismatch repair system component; minus strand). Cytogenetic location: 7p22.1.
Variant type: single nucleotide variant.
Coding change: c.1053G>A on transcript NM_000535.7 (MANE Select); coding-DNA position 1053, G replaced by A.
Protein change: p.Leu351=; no amino-acid change (leucine 351 retained).
Molecular consequence: synonymous variant. On other transcripts: non-coding transcript variant (1), intron variant (2).
Genome position (GRCh38, 1-based): chr7:5,989,891, C>T on the plus strand (G>A on the coding strand, the complement: PMS2 is on the minus strand). VCF-style: chr7-5989891-C-T. GRCh37 (hg19) VCF-style: chr7-6029522-C-T.
Other names: c.1053G>A (NM_000535.5); c.648G>A, p.Leu216= (NM_001322003.2, NM_001322004.2, NM_001322005.2 and 1 more transcripts); c.735G>A, p.Leu245= (NM_001322007.2, NM_001322008.2); c.120G>A, p.Leu40= (NM_001322011.2, NM_001322012.2); c.480G>A, p.Leu160= (NM_001322013.2); c.1053G>A, p.Leu351= (NM_001322014.2); c.744G>A, p.Leu248= (NM_001322015.2); c.583+2082G>A (NM_001322010.2); and 1 more.
Identifiers: ClinVar variation 1647487 (VCV001647487.10), dbSNP rs1060503145, ClinGen allele CA453644174.

ClinVar aggregate classification (germline): Likely benign. Review status: criteria provided, multiple submitters, no conflicts (2 of 4 stars). 3 submissions from 3 submitters: Likely benign (3). Last evaluated 2024-04-24.

Conditions:
Hereditary cancer-predisposing syndrome. Also called: Tumor predisposition; Neoplastic Syndromes, Hereditary; Hereditary Cancer Syndrome; Hereditary neoplastic syndrome. Identifiers: Orphanet 140162, MedGen C0027672, MeSH D009386, MONDO:0015356.
Hereditary nonpolyposis colorectal neoplasms. Identifiers: MedGen C0009405, MeSH D003123.
Lynch syndrome. Identifiers: Orphanet 144, MedGen C4552100, MONDO:0005835. Disease mechanism: loss of function.

Submissions (3):

Labcorp Genetics (formerly Invitae), Labcorp
Classification: Likely benign for Hereditary nonpolyposis colorectal neoplasms. Last evaluated: 2024-04-24. Review status: criteria provided, single submitter. Criteria: Invitae Variant Classification Sherloc (09022015). Collection method: clinical testing. Allele origin: germline.

Ambry Genetics
Classification: Likely benign for Hereditary cancer-predisposing syndrome. Last evaluated: 2024-04-16. Review status: criteria provided, single submitter. Criteria: Ambry Variant Classification Scheme 2023. Collection method: clinical testing. Allele origin: germline.

All of Us Research Program, National Institutes of Health
Classification: Likely benign for Lynch syndrome. Last evaluated: 2023-11-20. Review status: criteria provided, single submitter. Criteria: ACMG Guidelines, 2015. Collection method: clinical testing. Allele origin: germline. Inheritance: Autosomal dominant inheritance. Observed: 1 variant allele, 1 heterozygote.
Comment: This study involves interpretation of variants in research participants for the purpose of population health screening. Participant phenotype was not available at the time of variant classification. Additional details can be found in publication PMID: 35346344, PMCID: PMC8962531